The following is an entry in ClinVar:

ClinVar aggregate classification (germline): Benign/Likely benign. Review status: criteria provided, multiple submitters, no conflicts (2 of 4 stars). 2 submissions from 2 submitters: Benign (1); Likely benign (1). Last evaluated 2025-07-03.

Conditions:
Cardiovascular phenotype. Identifiers: MedGen CN230736.

Submissions (2):

Ambry Genetics
Classification: Benign for Cardiovascular phenotype. Last evaluated: 2025-07-03. Review status: criteria provided, single submitter. Criteria: Ambry Variant Classification Scheme 2023. Collection method: clinical testing. Allele origin: germline.

GeneDx
Classification: Likely benign. Last evaluated: 2023-06-07. Review status: criteria provided, single submitter. Criteria: GeneDx Variant Classification Process June 2021. Collection method: clinical testing. Allele origin: germline. Affected: yes.
Comment: See Variant Classification Assertion Criteria.

NM_001267550.2(TTN):c.7174_7176delinsAGT (p.Gly2392Ser)

Genes: TTN (titin; minus strand), LOC126806433 (BRD4-independent group 4 enhancer GRCh37_chr2:179638309-179639508; plus strand). Cytogenetic location: 2q31.2.
Variant type: Indel.
Coding change: c.7174_7176delinsAGT on transcript NM_001267550.2 (MANE Select); coding-DNA positions 7174 to 7176, GGC replaced by AGT.
Protein change: p.Gly2392Ser; replaces glycine 2392 with serine.
Molecular consequence: missense variant.
Genome position (GRCh38, 1-based): chr2:178,773,992-178,773,994, GCC replaced by ACT on the plus strand (GGC replaced by AGT on the coding strand, the reverse complement: TTN is on the minus strand). VCF-style: chr2-178773992-GCC-ACT. GRCh37 (hg19) VCF-style: chr2-179638719-GCC-ACT.
Other names: c.7036_7038delGGCinsAGT (NM_003319.4); c.7174_7176delinsAGT, p.Gly2392Ser (NM_001256850.1, NM_133378.4, NM_133379.5); c.7174_7176delGGCinsAGT, p.Gly2392Ser (NM_001267550.1); c.7036_7038delinsAGT, p.Gly2346Ser (NM_003319.4, NM_133432.3, NM_133437.4); short protein forms G2346S, G2392S.
Identifiers: ClinVar variation 2504988 (VCV002504988.2), dbSNP rs2532703883, ClinGen allele CA2580616638.